The following is an entry in ClinVar:

NM_004006.3(DMD):c.3603+2T>G

Gene: DMD (dystrophin; minus strand). Cytogenetic location: Xp21.1.
Variant type: single nucleotide variant.
Coding change: c.3603+2T>G on transcript NM_004006.3 (MANE Select); the canonical splice donor site of the intron after coding-DNA position 3603, T replaced by G.
Molecular consequence: splice donor variant.
Genome position (GRCh38, 1-based): chrX:32,454,660, A>C on the plus strand (T>G on the coding strand, the complement: DMD is on the minus strand). VCF-style: chrX-32454660-A-C. GRCh37 (hg19) VCF-style: chrX-32472777-A-C.
Other names: IVS26, T-G, +2; c.3579+2T>G (NM_000109.4); c.3591+2T>G (NM_004009.3); c.3234+2T>G (NM_004010.3).
Identifiers: ClinVar variation 11229 (VCV000011229.4), dbSNP rs146071084, ClinGen allele CA412662827.

ClinVar aggregate classification (germline): Pathogenic. Review status: criteria provided, single submitter (1 of 4 stars). 2 submissions from 2 submitters: Pathogenic (1). 1 of the submissions does not count toward it. Last evaluated 2024-12-31.

Conditions:
DMD-related disorder. Also called: DMD-related condition.
Duchenne muscular dystrophy (DMD). Also called: Duchenne Muscular Dystrophy (DMD); MUSCULAR DYSTROPHY, PSEUDOHYPERTROPHIC PROGRESSIVE, DUCHENNE TYPE. Identifiers: Orphanet 98896, MedGen C0013264, MONDO:0010679, OMIM 310200.

Submissions (2):

PreventionGenetics, part of Exact Sciences
Classification: Pathogenic for DMD-related condition. Last evaluated: 2024-12-31. Review status: criteria provided, single submitter. Criteria: ACMG Guidelines, 2015. Collection method: clinical testing. Allele origin: germline.
Comment: The DMD c.3603+2T>G variant is predicted to disrupt the GT donor site and interfere with normal splicing. This variant was reported in two brothers with Duchenne muscular dystrophy (Wilton et al. 1994. PubMed ID: 8199594). This variant has not been reported in a large population database (gnomAD), indicating this variant is rare. Variants that disrupt the consensus splice donor site in DMD are expected to be pathogenic. This variant is interpreted as pathogenic.

OMIM
Classification: Pathogenic for DUCHENNE MUSCULAR DYSTROPHY. Last evaluated: 1994-01-01. Review status: no assertion criteria provided. Collection method: literature only. Allele origin: germline. Not counted in ClinVar's aggregate classification.

Literature cited by the submitters: PubMed 8199594 (cited by OMIM).